The following is an entry in ClinVar:

ClinVar aggregate classification (germline): Uncertain significance. Review status: no assertion criteria provided (0 of 4 stars). 4 submissions from 1 submitter: Uncertain significance (4).

Conditions:
X-linked recessive nephrolithiasis with renal failure (XRN). Also called: UROLITHIASIS, X-LINKED RECESSIVE, TYPE 1; NEPHROLITHIASIS 1; NEPHROLITHIASIS, X-LINKED RECESSIVE, TYPE 1. Identifiers: Orphanet 1652, Orphanet 93622, MedGen C0403720, MONDO:0010687, OMIM 310468.
Hypophosphatemic rickets, X-linked recessive (XLHRR). Identifiers: Orphanet 1652, Orphanet 93622, MedGen C1845168, MONDO:0010358, OMIM 300554.
Dent disease type 1 (DENT1). Also called: NEPHROLITHIASIS 2; NEPHROLITHIASIS, HYPERCALCIURIC, X-LINKED. Identifiers: Orphanet 1652, Orphanet 93622, MedGen C1848336, MONDO:0010225, OMIM 300009.
Proteinuria, low molecular weight, with hypercalciuria and nephrocalcinosis. Identifiers: Orphanet 1652, Orphanet 93622, MedGen C1839874, MONDO:0010644, OMIM 308990.

Allele frequency attached by ClinVar (database versions not stated): gnomAD 0.00001; gnomAD exomes 0.00001; TOPMed 0.00002.
gnomAD v4.1: 13 of 1,050,963 alleles (0.0012%); highest among the groups gnomAD compares: Non-Finnish European, 0.0014%; no homozygotes.

Submissions (4):

Department of Pathology and Laboratory Medicine, Sinai Health System
Classification: Uncertain significance for Hypophosphatemic rickets, X-linked recessive. Review status: no assertion criteria provided. Collection method: clinical testing. Allele origin: unknown. Affected: yes. Study: The Canadian Open Genetics Repository (COGR).
Comment: The CLCN5 p.Arg51Gln variant was not identified in the literature, nor was it identified in ClinVar, dbSNP or LOVD 3.0 databases. The variant was identified in control databases in 1 of 79044 chromosomes at a frequency of 0.00001265 (Genome Aggregation Database March 6, 2019, v2.1.1). The variant was observed in the following populations: European (non-Finnish) in 1 of 32137 chromosomes (freq: 0.000031), but was not observed in the African, Latino, Ashkenazi Jewish, East Asian, European (Finnish), Other, or South Asian populations. The variant occurs outside of the splicing consensus sequence and in silico or computational prediction software programs (SpliceSiteFinder, MaxEntScan, NNSPLICE, GeneSplicer) do not predict a difference in splicing. The p.Arg512 residue is not conserved in mammals and computational analyses (Align GVD, MutationTaster, SIFT, PolyPhen, DANN, MT, FATHMM, MetaLR, Revel) provide inconsistent predictions regarding the impact to the protein; this information is not very predictive of pathogenicity. In summary, based on the above information, the clinical significance of this variant cannot be determined with certainty at this time. This variant is classified as a variant of uncertain significance

Department of Pathology and Laboratory Medicine, Sinai Health System
Classification: Uncertain significance for X-linked recessive nephrolithiasis with renal failure. Review status: no assertion criteria provided. Collection method: clinical testing. Allele origin: unknown. Affected: yes. Study: The Canadian Open Genetics Repository (COGR).
Comment: The CLCN5 p.Arg51Gln variant was not identified in the literature, nor was it identified in ClinVar, dbSNP or LOVD 3.0 databases. The variant was identified in control databases in 1 of 79044 chromosomes at a frequency of 0.00001265 (Genome Aggregation Database March 6, 2019, v2.1.1). The variant was observed in the following populations: European (non-Finnish) in 1 of 32137 chromosomes (freq: 0.000031), but was not observed in the African, Latino, Ashkenazi Jewish, East Asian, European (Finnish), Other, or South Asian populations. The variant occurs outside of the splicing consensus sequence and in silico or computational prediction software programs (SpliceSiteFinder, MaxEntScan, NNSPLICE, GeneSplicer) do not predict a difference in splicing. The p.Arg512 residue is not conserved in mammals and computational analyses (Align GVD, MutationTaster, SIFT, PolyPhen, DANN, MT, FATHMM, MetaLR, Revel) provide inconsistent predictions regarding the impact to the protein; this information is not very predictive of pathogenicity. In summary, based on the above information, the clinical significance of this variant cannot be determined with certainty at this time. This variant is classified as a variant of uncertain significance.

Department of Pathology and Laboratory Medicine, Sinai Health System
Classification: Uncertain significance for Dent disease type 1. Review status: no assertion criteria provided. Collection method: clinical testing. Allele origin: unknown. Affected: yes. Study: The Canadian Open Genetics Repository (COGR).
Comment: the same text as in the submission from Department of Pathology and Laboratory Medicine, Sinai Health System above.

Department of Pathology and Laboratory Medicine, Sinai Health System
Classification: Uncertain significance for Proteinuria, low molecular weight, with hypercalciuria and nephrocalcinosis. Review status: no assertion criteria provided. Collection method: clinical testing. Allele origin: unknown. Affected: yes. Study: The Canadian Open Genetics Repository (COGR).
Comment: The CLCN5 p.Arg51Gln variant was not identified in the literature, nor was it identified in ClinVar, dbSNP or LOVD 3.0 databases. The variant was identified in control databases in 1 of 79044 chromosomes at a frequency of 0.00001265 (Genome Aggregation Database March 6, 2019, v2.1.1). The variant was observed in the following populations: European (non-Finnish) in 1 of 32137 chromosomes (freq: 0.000031), but was not observed in the African, Latino, Ashkenazi Jewish, East Asian, European (Finnish), Other, or South Asian populations. The variant occurs outside of the splicing consensus sequence and in silico or computational prediction software programs (SpliceSiteFinder, MaxEntScan, NNSPLICE, GeneSplicer) do not predict a difference in splicing. The p.Arg512 residue is not conserved in mammals and computational analyses (Align GVD, MutationTaster, SIFT, PolyPhen, DANN, MT, FATHMM, MetaLR, Revel) provide inconsistent predictions regarding the impact to the protein; this information is not very predictive of pathogenicity. In summary, based on the above information, the clinical significance of this variant cannot be determined with certainty at this time. This variant is classified as a variant of uncertain significance.Disease Information:Â¬â€ Hemizygous pathogenic variants in males and homozygous or compound heterozygous pathogenic variants in females are associated with X-linked hypercalciuric nephrolithiasis, which comprises several related forms of hereditary renal tubular disorders caused by variants in the CLCN5 gene, including Dent disease (OMIM: 300009), X-linked recessive nephrolithiasis (OMIM: 310468), X-linked recessive hypophosphatemic rickets (OMIM: 300554), and low molecular weight proteinuria (OMIM: 308990). Dent disease is characterized by low molecular weight (LMW) proteinuria, hypercalciuria, and at least one additional finding including nephrocalcinosis, nephrolithiasis, hematuria, hypophosphatemia, chronic kidney disease (CKD), and evidence of X-linked inheritance (GeneReviews, verbatim). Males younger than age ten years may manifest only LMW proteinuria and/or hypercalciuria, which are usually asymptomatic. (GeneReviews, verbatim) Thirty to 80% of affected males develop end-stage renal disease (ESRD) between ages 30 and 50 years; in some instances ESRD does not develop until the sixth decade of life or later. (GeneReviews, verbatim) The disease may also be accompanied by rickets or osteomalacia, growth restriction, and short stature. Disease severity can vary within the same family. (GeneReviews, verbatim) X-linked recessive hypophosphatemic rickets (OMIM: 300554) have been reported in an Italian family, in which fivemales presented with rickets or osteomalacia, hypophosphatemia, hypercalciuria, and proteinuria, and later developed nephrocalcinosis with progressive renal failure in adulthood (Bolino_1993_PMID:7915957). A French Family with X-linked recessive hypophosphatemic rickets has also been reported (Oudet_1997_PMID: 9187673).Familial Risk:Â¬â€ X-linked hypercalciuric nephrolithiasis is inherited in an X-linked recessive manner. Each male offspring of an individual with a variant has a 50% chance of inheriting the variant and being affected. At conception, the female siblings of an affected individual have a 25% chance of being affected, a 50% chance of being asymptomatic carriers, and a 25% chance of being unaffected and not carriers.

NM_001127898.4(CLCN5):c.152G>A (p.Arg51Gln)

Gene: CLCN5 (Cl-/H+ antiporter 5; plus strand). Cytogenetic location: Xp11.23.
Variant type: single nucleotide variant.
Coding change: c.152G>A on transcript NM_001127898.4 (MANE Select); coding-DNA position 152, G replaced by A.
Protein change: p.Arg51Gln; replaces arginine 51 with glutamine.
Molecular consequence: missense variant.
Genome position (GRCh38, 1-based): chrX:50,042,451, G>A. VCF-style: chrX-50042451-G-A. GRCh37 (hg19) VCF-style: chrX-49807060-G-A.
Other names: c.152G>A, p.Arg51Gln (NM_001127899.4, NM_001272102.2); short protein forms R51Q.
Identifiers: ClinVar variation 1049202 (VCV001049202.1), dbSNP rs1318459336, ClinGen allele CA413179610.